The following is an entry in ClinVar:

ClinVar aggregate classification (germline): Pathogenic. Review status: criteria provided, multiple submitters, no conflicts (2 of 4 stars). 4 submissions from 4 submitters: Pathogenic (4). Last evaluated 2025-08-06.

Conditions:
Hereditary cancer-predisposing syndrome. Also called: Tumor predisposition; Hereditary Cancer Syndrome; Hereditary neoplastic syndrome; Neoplastic Syndromes, Hereditary. Identifiers: Orphanet 140162, MedGen C0027672, MeSH D009386, MONDO:0015356.
Ataxia-telangiectasia syndrome (AT). Also called: ATAXIA-TELANGIECTASIA, COMPLEMENTATION GROUP A; ATAXIA-TELANGIECTASIA, FRESNO VARIANT; Ataxia-telangiectasia; Ataxia-telangiectasia, complementation group E; LOUIS-BAR SYNDROME; Cerebello-oculocutaneous telangiectasia. Identifiers: Orphanet 100, MedGen C0004135, MONDO:0008840, OMIM 208900.
Familial cancer of breast. Also called: BREAST CANCER, FAMILIAL; Hereditary breast cancer; hereditary breast carcinoma. Identifiers: Orphanet 227535, MedGen C0346153, MONDO:0016419, OMIM 114480. Disease mechanism: loss of function.

Submissions (4):

Labcorp Genetics (formerly Invitae), Labcorp
Classification: Pathogenic for Ataxia-telangiectasia syndrome. Last evaluated: 2025-08-06. Review status: criteria provided, single submitter. Criteria: Invitae Variant Classification Sherloc (09022015). Collection method: clinical testing. Allele origin: germline.
Comment: This sequence change creates a premature translational stop signal (p.Gln2297*) in the ATM gene. It is expected to result in an absent or disrupted protein product. Loss-of-function variants in ATM are known to be pathogenic (PMID: 23807571, 25614872). This variant is not present in population databases (gnomAD no frequency). This variant has not been reported in the literature in individuals affected with ATM-related conditions. ClinVar contains an entry for this variant (Variation ID: 2883605). Algorithms developed to predict the effect of sequence changes on RNA splicing suggest that this variant may disrupt the consensus splice site. For these reasons, this variant has been classified as Pathogenic.

Ambry Genetics
Classification: Pathogenic for Hereditary cancer-predisposing syndrome. Last evaluated: 2025-04-04. Review status: criteria provided, single submitter. Criteria: Ambry Variant Classification Scheme 2023. Collection method: clinical testing. Allele origin: germline.
Comment: The p.Q2297* pathogenic mutation (also known as c.6889C>T), located in coding exon 46 of the ATM gene, results from a C to T substitution at nucleotide position 6889. This changes the amino acid from a glutamine to a stop codon within coding exon 46. This variant is considered to be rare based on population cohorts in the Genome Aggregation Database (gnomAD). This alteration is expected to result in loss of function by premature protein truncation or nonsense-mediated mRNA decay. As such, this alteration is interpreted as a disease-causing mutation.

Department of Clinical Genetics, Copenhagen University Hospital, Rigshospitalet
Classification: Pathogenic for Familial cancer of breast; Ataxia-telangiectasia syndrome. Last evaluated: 2025-02-04. Review status: criteria provided, single submitter. Criteria: ACMG Guidelines, 2015. Collection method: clinical testing. Allele origin: germline.
Comment: PVS1, PM2_SUP, PM5_SUP

Myriad Genetics, Inc.
Classification: Pathogenic for Familial cancer of breast. Last evaluated: 2024-01-30. Review status: criteria provided, single submitter. Criteria: Myriad Autosomal Dominant, Autosomal Recessive and X-Linked Classification Criteria (2023). Collection method: clinical testing. Allele origin: unknown.
Comment: This variant is considered pathogenic. This variant creates a termination codon and is predicted to result in premature protein truncation.

Literature cited by the submitters: PubMed 23807571 (cited by Labcorp Genetics (formerly Invitae), Labcorp); PubMed 25614872 (cited by Labcorp Genetics (formerly Invitae), Labcorp).

NM_000051.4(ATM):c.6889C>T (p.Gln2297Ter)

Genes: ATM (ATM serine/threonine kinase; plus strand), C11orf65 (chromosome 11 open reading frame 65; minus strand). Cytogenetic location: 11q22.3.
Variant type: single nucleotide variant.
Coding change: c.6889C>T on transcript NM_000051.4 (MANE Select); coding-DNA position 6889, C replaced by T.
Protein change: p.Gln2297Ter; replaces glutamine 2297 with a stop codon.
Molecular consequence: nonsense. On other transcripts: intron variant (2).
Genome position (GRCh38, 1-based): chr11:108,326,139, C>T. VCF-style: chr11-108326139-C-T. GRCh37 (hg19) VCF-style: chr11-108196866-C-T.
Other names: c.6889C>T, p.Gln2297Ter (NM_001351834.2); c.641-17068G>A (NM_001330368.2); c.*38+9081G>A (NM_001351110.2); short protein forms Q2297*.
Identifiers: ClinVar variation 2883605 (VCV002883605.7), dbSNP rs1565520537, ClinGen allele CA382556871.